The following is an entry in ClinVar:

ClinVar aggregate classification (germline): Uncertain significance (1 of 4 stars; one submission).

Conditions:
Inborn genetic diseases. Identifiers: MedGen C0950123, MeSH D030342.

Allele frequency attached by ClinVar (database versions not stated): gnomAD exomes below 0.00001.
gnomAD v4.1: 4 of 1,614,048 alleles (0.00025%); highest among the groups gnomAD compares: Non-Finnish European, 0.00034%; no homozygotes.

Submission:

Ambry Genetics
Classification: Uncertain significance for Inborn genetic diseases. Last evaluated: 2022-08-06. Review status: criteria provided, single submitter. Criteria: Ambry Variant Classification Scheme 2023. Collection method: clinical testing. Allele origin: germline.
Comment: The p.T1368A variant (also known as c.4102A>G), located in coding exon 29 of the LRRK2 gene, results from an A to G substitution at nucleotide position 4102. The threonine at codon 1368 is replaced by alanine, an amino acid with similar properties. This amino acid position is conserved. In addition, the in silico prediction for this alteration is inconclusive. Since supporting evidence is limited at this time, the clinical significance of this alteration remains unclear.

NM_198578.4(LRRK2):c.4102A>G (p.Thr1368Ala)

Gene: LRRK2 (leucine rich repeat kinase 2; plus strand). Cytogenetic location: 12q12.
Variant type: single nucleotide variant.
Coding change: c.4102A>G on transcript NM_198578.4 (MANE Select); coding-DNA position 4102, A replaced by G.
Protein change: p.Thr1368Ala; replaces threonine 1368 with alanine.
Molecular consequence: missense variant.
Genome position (GRCh38, 1-based): chr12:40,308,609, A>G. VCF-style: chr12-40308609-A-G. GRCh37 (hg19) VCF-style: chr12-40702411-A-G.
Other names: short protein forms T1368A.
Identifiers: ClinVar variation 1737865 (VCV001737865.2), dbSNP rs2499813071, ClinGen allele CA384417758.